The following is an entry in ClinVar:

NM_018062.4(FANCL):c.493T>G (p.Tyr165Asp)

Gene: FANCL (FA complementation group L; minus strand). Cytogenetic location: 2p16.1.
Variant type: single nucleotide variant.
Coding change: c.493T>G on transcript NM_018062.4 (MANE Select); coding-DNA position 493, T replaced by G.
Protein change: p.Tyr165Asp; replaces tyrosine 165 with aspartic acid.
Molecular consequence: missense variant.
Genome position (GRCh38, 1-based): chr2:58,198,641, A>C on the plus strand (T>G on the coding strand, the complement: FANCL is on the minus strand). VCF-style: chr2-58198641-A-C. GRCh37 (hg19) VCF-style: chr2-58425776-A-C.
Other names: c.493T>G, p.Tyr165Asp (NM_001114636.2, NM_001374615.1, NM_001410792.1); short protein forms Y165D.
Identifiers: ClinVar variation 898373 (VCV000898373.10), dbSNP rs201084086, ClinGen allele CA1670594.
Genomic context (GRCh38, chr2:58,198,641, plus strand): 5'-GAGGAGAATTTACCTGAGGTGTCCAGGAGGCACAAAATGGAACAGGAAAATCCACAAAAT[A>C]ATCTGGTGATTCTGCAGGATACTATTAAAAAAGCATAACATTAGACCATTTTTGCTTCTG-3'
Protein context (NP_060532.2, residues 155-175): KAKYPAESPD[Tyr165Asp]FVDFPVPFCA

ClinVar aggregate classification (germline): Uncertain significance. Review status: criteria provided, multiple submitters, no conflicts (2 of 4 stars). 3 submissions from 3 submitters: Uncertain significance (3). Last evaluated 2024-04-18.

Conditions:
Fanconi anemia complementation group L (FANCL). Also called: FANCL-Related Fanconi Anemia. Identifiers: Orphanet 84, MedGen C3469528, MONDO:0013566, OMIM 614083.
Fanconi anemia (FA). Also called: Fanconi's anemia. Identifiers: Orphanet 84, MedGen C0015625, MeSH D005199, MONDO:0019391.

Allele frequency attached by ClinVar (database versions not stated): gnomAD 0.00003 and 0.00004; gnomAD exomes 0.00004 and 0.00006; ExAC 0.00005; TOPMed 0.00005; ESP Exome Variant Server 0.00008.
gnomAD v4.1: 68 of 1,613,788 alleles (0.0042%); highest among the groups gnomAD compares: Admixed American, 0.0033%; no homozygotes.

Submissions (3):

Genetic Services Laboratory, University of Chicago
Classification: Uncertain significance. Last evaluated: 2024-04-18. Review status: criteria provided, single submitter. Criteria: ACMG Guidelines, 2015. Collection method: clinical testing. Allele origin: germline. Affected: no.
Comment: DNA sequence analysis of the FANCL gene demonstrated a sequence change, c.493T>G, in exon 7 that results in an amino acid change, p.Tyr165Asp. This sequence change does not appear to have been previously described in individuals with FANCL-related disorders. This sequence change has been described in the gnomAD database with a frequency of 0.12% in the Ashkenazi Jewish subpopulation and 0.006% in the overall population (dbSNP rs201084086). The p.Tyr165Asp change affects a poorly conserved amino acid residue located in a domain of the FANCL protein that is known to be functional. In-silico pathogenicity prediction tools (SIFT, PolyPhen2, Align GVGD, REVEL) provide contradictory results for the p.Tyr165Asp substitution. Due to insufficient evidence and the lack of functional studies, the clinical significance of the p.Tyr165Asp change remains unknown at this time.

Labcorp Genetics (formerly Invitae), Labcorp
Classification: Uncertain significance for Fanconi anemia. Last evaluated: 2022-10-05. Review status: criteria provided, single submitter. Criteria: Invitae Variant Classification Sherloc (09022015). Collection method: clinical testing. Allele origin: germline.
Comment: This sequence change replaces tyrosine, which is neutral and polar, with aspartic acid, which is acidic and polar, at codon 165 of the FANCL protein (p.Tyr165Asp). This variant is present in population databases (rs201084086, gnomAD 0.1%). This variant has not been reported in the literature in individuals affected with FANCL-related conditions. ClinVar contains an entry for this variant (Variation ID: 898373). Advanced modeling of protein sequence and biophysical properties (such as structural, functional, and spatial information, amino acid conservation, physicochemical variation, residue mobility, and thermodynamic stability) performed at Invitae indicates that this missense variant is not expected to disrupt FANCL protein function. Algorithms developed to predict the effect of sequence changes on RNA splicing suggest that this variant may create or strengthen a splice site. In summary, the available evidence is currently insufficient to determine the role of this variant in disease. Therefore, it has been classified as a Variant of Uncertain Significance.

Illumina Laboratory Services, Illumina
Classification: Uncertain significance for Fanconi anemia complementation group L. Last evaluated: 2017-04-28. Review status: criteria provided, single submitter. Criteria: ICSL Variant Classification Criteria 13 December 2019. Collection method: clinical testing. Allele origin: germline.